The following is an entry in ClinVar:

NM_002691.4(POLD1):c.563T>A (p.Leu188Gln)

Gene: POLD1 (DNA polymerase delta 1, catalytic subunit; plus strand). Cytogenetic location: 19q13.33.
Variant type: single nucleotide variant.
Coding change: c.563T>A on transcript NM_002691.4 (MANE Select); coding-DNA position 563, T replaced by A.
Protein change: p.Leu188Gln; replaces leucine 188 with glutamine.
Molecular consequence: missense variant. On other transcripts: non-coding transcript variant (1).
Genome position (GRCh38, 1-based): chr19:50,402,098, T>A. VCF-style: chr19-50402098-T-A. GRCh37 (hg19) VCF-style: chr19-50905355-T-A.
Other names: c.563T>A, p.Leu188Gln (NM_001256849.1, NM_001308632.1); short protein forms L188Q.
Identifiers: ClinVar variation 2849181 (VCV002849181.3), dbSNP rs768494581, ClinGen allele CA406973378.

ClinVar aggregate classification (germline): Uncertain significance (1 of 4 stars; one submission).

Conditions:
POLD1-related polyposis and colorectal cancer syndrome (CRCS10). Also called: Colorectal cancer 10; COLORECTAL CANCER, SUSCEPTIBILITY TO, ON CHROMOSOME 19q; Colorectal cancer, susceptibility to, 10. Identifiers: Orphanet 220460, MedGen C2675481, MONDO:0012953, OMIM 612591.

Submission:

Labcorp Genetics (formerly Invitae), Labcorp
Classification: Uncertain significance for POLD1-related polyposis and colorectal cancer syndrome. Last evaluated: 2023-03-24. Review status: criteria provided, single submitter. Criteria: Invitae Variant Classification Sherloc (09022015). Collection method: clinical testing. Allele origin: germline.
Comment: This sequence change replaces leucine, which is neutral and non-polar, with glutamine, which is neutral and polar, at codon 188 of the POLD1 protein (p.Leu188Gln). This variant is not present in population databases (gnomAD no frequency). This variant has not been reported in the literature in individuals affected with POLD1-related conditions. Advanced modeling of protein sequence and biophysical properties (such as structural, functional, and spatial information, amino acid conservation, physicochemical variation, residue mobility, and thermodynamic stability) performed at Invitae indicates that this missense variant is not expected to disrupt POLD1 protein function. In summary, the available evidence is currently insufficient to determine the role of this variant in disease. Therefore, it has been classified as a Variant of Uncertain Significance.